The following is an entry in ClinVar:

ClinVar aggregate classification (germline): Likely pathogenic (1 of 4 stars; one submission).

Conditions:
Immunodeficiency 35 (IMD35). Also called: TYK2 DEFICIENCY; HIES WITH ATYPICAL MYCOBACTERIOSIS, AUTOSOMAL RECESSIVE; HYPER-IgE SYNDROME WITH ATYPICAL MYCOBACTERIOSIS, AUTOSOMAL RECESSIVE; Susceptibility to infection due to TYK2 deficiency. Identifiers: Orphanet 331226, MedGen C1969086, MONDO:0012682, OMIM 611521.

Submission:

Labcorp Genetics (formerly Invitae), Labcorp
Classification: Likely pathogenic for Immunodeficiency 35. Last evaluated: 2025-10-04. Review status: criteria provided, single submitter. Criteria: Invitae Variant Classification Sherloc (09022015). Collection method: clinical testing. Allele origin: germline.
Comment: This sequence change affects an acceptor splice site in intron 23 of the TYK2 gene. It is expected to disrupt RNA splicing. Variants that disrupt the donor or acceptor splice site typically lead to a loss of protein function (PMID: 16199547), and loss-of-function variants in TYK2 are known to be pathogenic (PMID: 22402565, 26304966). This variant is not present in population databases (gnomAD no frequency). This variant has not been reported in the literature in individuals affected with TYK2-related conditions. Algorithms developed to predict the effect of sequence changes on RNA splicing suggest that this variant may disrupt the consensus splice site. In summary, the currently available evidence indicates that the variant is pathogenic, but additional data are needed to prove that conclusively. Therefore, this variant has been classified as Likely Pathogenic.

Literature cited by the submitters: PubMed 16199547; PubMed 22402565; PubMed 26304966.

NM_003331.5(TYK2):c.3319-2A>G

Gene: TYK2 (tyrosine kinase 2; minus strand). Cytogenetic location: 19p13.2.
Variant type: single nucleotide variant.
Coding change: c.3319-2A>G on transcript NM_003331.5 (MANE Select); the canonical splice acceptor site of the intron before coding-DNA position 3319, A replaced by G.
Molecular consequence: splice acceptor variant. On other transcripts: intron variant (1).
Genome position (GRCh38, 1-based): chr19:10,351,164, T>C on the plus strand (A>G on the coding strand, the complement: TYK2 is on the minus strand). VCF-style: chr19-10351164-T-C. GRCh37 (hg19) VCF-style: chr19-10461840-T-C.
Other names: c.3133-2A>G (NM_001385199.1); c.3319-2A>G (NM_001406461.1); c.3229-2A>G (NM_001385205.1); c.3121-2A>G (NM_001385201.1); c.3193-2A>G (NM_001385206.1); c.3301-2A>G (NM_001385207.1); c.3235-2A>G (NM_001385202.1); c.3316-2A>G (NM_001385200.1); and 4 more.
Identifiers: ClinVar variation 4728088 (VCV004728088.1).